The following is an entry in ClinVar:

NM_001077525.3(MTMR14):c.63C>G (p.Asn21Lys)

Gene: MTMR14 (myotubularin related protein 14; plus strand). Cytogenetic location: 3p25.3.
Variant type: single nucleotide variant.
Coding change: c.63C>G on transcript NM_001077525.3 (MANE Select); coding-DNA position 63, C replaced by G.
Protein change: p.Asn21Lys; replaces asparagine 21 with lysine.
Molecular consequence: missense variant. On other transcripts: 5 prime UTR variant (23), non-coding transcript variant (9).
Genome position (GRCh38, 1-based): chr3:9,649,646, C>G. VCF-style: chr3-9649646-C-G. GRCh37 (hg19) VCF-style: chr3-9691330-C-G.
Other names: c.63C>G, p.Asn21Lys (NM_001077526.3, NM_001400519.1, NM_001400520.1 and 9 more transcripts); c.-71C>G (NM_001400518.1, NM_001400521.1, NM_001400525.1 and 4 more transcripts); c.-443C>G (NM_001400533.1, NM_001400539.1, NM_001400545.1); c.-504C>G (NM_001400534.1, NM_001400538.1, NM_001400541.1 and 2 more transcripts); c.-294C>G (NM_001400535.1); c.-471C>G (NM_001400540.1); c.-706C>G (NM_001400542.1); c.-265C>G (NM_001400543.1); and 4 more; short protein forms N21K.
Identifiers: ClinVar variation 4553913 (VCV004553913.2).

ClinVar aggregate classification (germline): Uncertain significance. Review status: criteria provided, multiple submitters, no conflicts (2 of 4 stars). 2 submissions from 2 submitters: Uncertain significance (2). Last evaluated 2025-10-02.

gnomAD v4.1: 9 of 1,578,830 alleles (0.00057%); highest among the groups gnomAD compares: Non-Finnish European, 0.00077%; no homozygotes.

Submissions (2):

Ambry Genetics
Classification: Uncertain significance. Last evaluated: 2025-10-02. Review status: criteria provided, single submitter. Criteria: Ambry Variant Classification Scheme 2023. Collection method: clinical testing. Allele origin: germline.

Labcorp Genetics (formerly Invitae), Labcorp
Classification: Uncertain significance. Last evaluated: 2025-09-08. Review status: criteria provided, single submitter. Criteria: Invitae Variant Classification Sherloc (09022015). Collection method: clinical testing. Allele origin: germline.
Comment: This sequence change replaces asparagine, which is neutral and polar, with lysine, which is basic and polar, at codon 21 of the MTMR14 protein (p.Asn21Lys). This variant is present in population databases (rs569175683, gnomAD 0.004%). This variant has not been reported in the literature in individuals affected with MTMR14-related conditions. An algorithm developed to predict the effect of missense changes on protein structure and function (PolyPhen-2) suggests that this variant is likely to be tolerated. In summary, the available evidence is currently insufficient to determine the role of this variant in disease. Therefore, it has been classified as a Variant of Uncertain Significance.